The following is an entry in ClinVar:

NM_133642.5(LARGE1):c.787+120G>C

Gene: LARGE1 (LARGE xylosyl- and glucuronyltransferase 1; minus strand). Cytogenetic location: 22q12.3.
Variant type: single nucleotide variant.
Coding change: c.787+120G>C on transcript NM_133642.5 (MANE Select); 120 bases into the intron after coding-DNA position 787, G replaced by C.
Molecular consequence: intron variant.
Genome position (GRCh38, 1-based): chr22:33,564,728, C>G on the plus strand (G>C on the coding strand, the complement: LARGE1 is on the minus strand). VCF-style: chr22-33564728-C-G. GRCh37 (hg19) VCF-style: chr22-33960714-C-G.
Other names: c.787+120G>C (NM_001362953.2, NM_001362949.2, NM_001378627.1 and 7 more transcripts); c.184+120G>C (NM_001378631.1, NM_001378630.1).
Identifiers: ClinVar variation 670435 (VCV000670435.1), dbSNP rs3213513, ClinGen allele CA323744725.
Genomic context (GRCh38, chr22:33,564,728, plus strand): 5'-ACTCTATTATTTTTCAAATCCAAGCAGAGTTGATATTGAACCATATTTGTAATTCCTCAC[C>G]CACTGCATTAGCACGACCTCATTCGAGGAGACCTCACCTTTTTAAAAAAGTCAACCCCTA-3'

ClinVar aggregate classification (germline): Benign (1 of 4 stars; one submission).

Allele frequency attached by ClinVar (database versions not stated): TOPMed 0.06532; 1000 Genomes Project 30x 0.03389; 1000 Genomes Project 0.03415; gnomAD 0.05608.
gnomAD v4.1: 70,862 of 944,620 alleles (7.5%); highest among the groups gnomAD compares: Non-Finnish European, 9.6%; 3,294 homozygotes.

Submission:

GeneDx
Classification: Benign. Last evaluated: 2018-06-19. Review status: criteria provided, single submitter. Criteria: GeneDx Variant Classification (06012015). Collection method: clinical testing. Allele origin: germline. Affected: yes.
Comment: This variant is considered likely benign or benign based on one or more of the following criteria: it is a conservative change, it occurs at a poorly conserved position in the protein, it is predicted to be benign by multiple in silico algorithms, and/or has population frequency not consistent with disease.